The following is an entry in ClinVar:

ClinVar aggregate classification (germline): Conflicting classifications of pathogenicity. Review status: criteria provided, conflicting classifications (1 of 4 stars). 4 submissions from 4 submitters: Uncertain significance (1); Likely benign (2). 1 of the submissions does not count toward it. Last evaluated 2026-01-26.

Conditions:
Epidermolysis bullosa dystrophica. Also called: Dystrophic epidermolysis bullosa, Hallopeau-Siemens type (formerly); Dystrophic epidermolysis bullosa. Identifiers: Orphanet 303, MedGen C0079294, MONDO:0006543.
Epidermolysis bullosa dystrophica inversa, autosomal recessive. Identifiers: MedGen C2673612.

Allele frequency attached by ClinVar (database versions not stated): ExAC 0.00003; gnomAD exomes 0.00003 and 0.00004; gnomAD 0.00006; ESP Exome Variant Server 0.00008; TOPMed 0.00008.
gnomAD v4.1: 62 of 1,613,924 alleles (0.0038%); highest among the groups gnomAD compares: Middle Eastern, 0.016%; 1 homozygote.

Submissions (4):

Labcorp Genetics (formerly Invitae), Labcorp
Classification: Likely benign. Last evaluated: 2026-01-26. Review status: criteria provided, single submitter. Criteria: Invitae Variant Classification Sherloc (09022015). Collection method: clinical testing. Allele origin: germline.

CeGaT Center for Human Genetics Tuebingen
Classification: Likely benign. Last evaluated: 2023-03-01. Review status: criteria provided, single submitter. Criteria: CeGaT Center For Human Genetics Tuebingen Variant Classification Criteria Version 2. Collection method: clinical testing. Allele origin: germline. Affected: yes. Observed: 1 variant allele.
Comment: COL7A1: BP4, BP7

Illumina Laboratory Services, Illumina
Classification: Uncertain significance for Dystrophic epidermolysis bullosa. Last evaluated: 2018-03-23. Review status: criteria provided, single submitter. Criteria: ICSL Variant Classification Criteria 13 December 2019. Collection method: clinical testing. Allele origin: germline.

Natera, Inc.
Classification: Uncertain significance for Autosomal recessive epidermolysis bullosa dystrophica inversa. Last evaluated: 2020-09-11. Review status: no assertion criteria provided. Collection method: clinical testing. Allele origin: germline. Not counted in ClinVar's aggregate classification.

NM_000094.4(COL7A1):c.447C>T (p.Asp149=)

Gene: COL7A1 (collagen type VII alpha 1 chain; minus strand). Cytogenetic location: 3p21.31.
Variant type: single nucleotide variant.
Coding change: c.447C>T on transcript NM_000094.4 (MANE Select); coding-DNA position 447, C replaced by T.
Protein change: p.Asp149=; no amino-acid change (aspartic acid 149 retained).
Molecular consequence: synonymous variant.
Genome position (GRCh38, 1-based): chr3:48,593,429, G>A on the plus strand (C>T on the coding strand, the complement: COL7A1 is on the minus strand). VCF-style: chr3-48593429-G-A. GRCh37 (hg19) VCF-style: chr3-48630862-G-A.
Identifiers: ClinVar variation 903505 (VCV000903505.36), dbSNP rs372585819, ClinGen allele CA2381539.
Genomic context (GRCh38, chr3:48,593,429, plus strand): 5'-CTTGACCCCCTGCCCCTTCAGCCTTTGGGCAGCTGTGTCCACCAGGTCCTGGGACTTCCC[G>A]TCTGTGATCAGGATGCAGACCTGGGACAGGTGCAGGGGTCAAATCACGGTTCCCCTGGAC-3'
Protein context (NP_000085.1, residues 139-159): GVPKVCILIT[Asp149=]GKSQDLVDTA